The following is an entry in ClinVar:

ClinVar aggregate classification (germline): Likely benign. Review status: criteria provided, multiple submitters, no conflicts (2 of 4 stars). 2 submissions from 2 submitters: Likely benign (2). Last evaluated 2025-12-26.

Conditions:
MYO7A-related disorder. Also called: MYO7A-related disorders.

Allele frequency attached by ClinVar (database versions not stated): TOPMed below 0.00001.
gnomAD v4.1: 3 of 1,552,812 alleles (0.00019%); highest among the groups gnomAD compares: Middle Eastern, 0.033%; no homozygotes.

Submissions (2):

PreventionGenetics, part of Exact Sciences
Classification: Likely benign for MYO7A-related condition. Last evaluated: 2025-12-26. Review status: criteria provided, single submitter. Criteria: ACMG Guidelines, 2015. Collection method: clinical testing. Allele origin: germline.
Comment: This variant is classified as likely benign based on ACMG/AMP sequence variant interpretation guidelines (Richards et al. 2015 PMID: 25741868, with internal and published modifications).

Labcorp Genetics (formerly Invitae), Labcorp
Classification: Likely benign. Last evaluated: 2024-05-22. Review status: criteria provided, single submitter. Criteria: Invitae Variant Classification Sherloc (09022015). Collection method: clinical testing. Allele origin: germline.

NM_000260.4(MYO7A):c.1509C>T (p.Pro503=)

Gene: MYO7A (myosin VIIA; plus strand). Cytogenetic location: 11q13.5.
Variant type: single nucleotide variant.
Coding change: c.1509C>T on transcript NM_000260.4 (MANE Select); coding-DNA position 1509, C replaced by T.
Protein change: p.Pro503=; no amino-acid change (proline 503 retained).
Molecular consequence: synonymous variant.
Genome position (GRCh38, 1-based): chr11:77,162,285, C>T. VCF-style: chr11-77162285-C-T. GRCh37 (hg19) VCF-style: chr11-76873331-C-T.
Other names: c.1509C>T (NM_000260.3); c.1509C>T, p.Pro503= (NM_001127180.2); c.1476C>T, p.Pro492= (NM_001369365.1).
Identifiers: ClinVar variation 1103545 (VCV001103545.10), dbSNP rs1953074978, ClinGen allele CA475793838.
Genomic context (GRCh38, chr11:77,162,285, plus strand): 5'-CTGGCTGCACATCGAGTTCACTGACAACCAGGATGCCCTGGACATGATTGCCAACAAGCC[C>T]ATGAACATCATCTCCCTCATCGATGAGGAGAGCAAGTTCCCCAAGGTGGGCCGGTCCTGC-3'
Protein context (NP_000251.3, residues 493-513): QDALDMIANK[Pro503=]MNIISLIDEE